The following is an entry in ClinVar:

NM_020971.3(SPTBN4):c.1564G>A (p.Gly522Arg)

Gene: SPTBN4 (spectrin beta, non-erythrocytic 4; plus strand). Cytogenetic location: 19q13.2.
Variant type: single nucleotide variant.
Coding change: c.1564G>A on transcript NM_020971.3 (MANE Select); coding-DNA position 1564, G replaced by A.
Protein change: p.Gly522Arg; replaces glycine 522 with arginine.
Molecular consequence: missense variant.
Genome position (GRCh38, 1-based): chr19:40,504,031, G>A. VCF-style: chr19-40504031-G-A. GRCh37 (hg19) VCF-style: chr19-41009938-G-A.
Other names: short protein forms G522R.
Identifiers: ClinVar variation 4991088 (VCV004991088.1).

ClinVar aggregate classification (germline): Uncertain significance (1 of 4 stars; one submission).

Conditions:
SPTBN4-related disorder. Also called: SPTBN4-related condition.

Submission:

PreventionGenetics, part of Exact Sciences
Classification: Uncertain significance for SPTBN4-related condition. Last evaluated: 2026-07-19. Review status: criteria provided, single submitter. Criteria: ACMG Guidelines, 2015. Collection method: clinical testing. Allele origin: germline.
Comment: The SPTBN4 c.1564G>A variant is predicted to result in the amino acid substitution p.Gly522Arg. To our knowledge, this variant has not been reported in the literature or in a large population database (gnomAD), indicating this variant is rare. At this time, the clinical significance of this variant is uncertain due to the absence of conclusive functional and genetic evidence.